The following is an entry in ClinVar:

NM_005996.4(TBX3):c.1731C>G (p.Phe577Leu)

Gene: TBX3 (T-box transcription factor 3; minus strand). Cytogenetic location: 12q24.21.
Variant type: single nucleotide variant.
Coding change: c.1731C>G on transcript NM_005996.4 (MANE Select); coding-DNA position 1731, C replaced by G.
Protein change: p.Phe577Leu; replaces phenylalanine 577 with leucine.
Molecular consequence: missense variant.
Genome position (GRCh38, 1-based): chr12:114,672,282, G>C on the plus strand (C>G on the coding strand, the complement: TBX3 is on the minus strand). VCF-style: chr12-114672282-G-C. GRCh37 (hg19) VCF-style: chr12-115110087-G-C.
Other names: c.1791C>G, p.Phe597Leu (NM_016569.4); short protein forms F577L, F597L.
Identifiers: ClinVar variation 3354875 (VCV003354875.1).

ClinVar aggregate classification (germline): Uncertain significance (0 of 4 stars; one submission).

Conditions:
TBX3-related disorder. Also called: TBX3-related condition.

Submission:

PreventionGenetics, part of Exact Sciences
Classification: Uncertain significance for TBX3-related condition. Last evaluated: 2024-06-19. Review status: no assertion criteria provided. Collection method: clinical testing. Allele origin: germline.
Comment: The TBX3 c.1791C>G variant is predicted to result in the amino acid substitution p.Phe597Leu. To our knowledge, this variant has not been reported in the literature. This variant is reported in 0.011% of alleles in individuals of African descent in gnomAD, which is likely too common for an undocumented disease-causing variant. Although we suspect that this variant may be benign, at this time, the clinical significance of this variant is uncertain due to the absence of conclusive functional and genetic evidence.